The following is an entry in ClinVar:

ClinVar aggregate classification (germline): Likely pathogenic. Review status: criteria provided, single submitter (1 of 4 stars). 2 submissions from 2 submitters: Likely pathogenic (1). 1 of the submissions does not count toward it. Last evaluated 2025-10-31.

Conditions:
Marfan syndrome (MFS). Also called: Marfan syndrome type 1; Marfan syndrome, classic; Marfan's syndrome; FBN1-Related Marfan Syndrome; MARFAN SYNDROME, TYPE I. Identifiers: Orphanet 284963, Orphanet 558, MedGen C0024796, MONDO:0007947, OMIM 154700.
Familial thoracic aortic aneurysm and aortic dissection (TAAD). Also called: Thoracic aortic aneurysms and dissections. Identifiers: Orphanet 91387, MedGen C4707243, MONDO:0019625.

Submissions (2):

Ambry Genetics
Classification: Likely pathogenic for Familial thoracic aortic aneurysm and aortic dissection. Last evaluated: 2025-10-31. Review status: criteria provided, single submitter. Criteria: Ambry Variant Classification Scheme 2023. Collection method: clinical testing. Allele origin: germline.
Comment: The p.C2672S variant (also known as c.8015G>C), located in coding exon 63 of the FBN1 gene, results from a G to C substitution at nucleotide position 8015. The cysteine at codon 2672 is replaced by serine, an amino acid with dissimilar properties. Other variant(s) at the same codon, p.C2672G (c.8014T>G), p.C2672R (c.8014T>C), have been identified in individual(s) with features consistent with Marfan syndrome and related fibrillinopathies (Cetinkaya A et al. Congenit Anom (Kyoto), 2018 Jan;58:41-43; Ambry internal data). T his amino acid position is highly conserved in available vertebrate species. In addition, this alteration is predicted to be deleterious by in silico analysis. This variant is considered to be rare based on population cohorts in the Genome Aggregation Database (gnomAD). Based on the majority of available evidence to date, this variant is likely to be pathogenic.

Center for Medical Genetics Ghent, University of Ghent
Classification: Likely pathogenic for Marfan syndrome. Last evaluated: 2017-11-07. Review status: no assertion criteria provided. Collection method: clinical testing. Allele origin: germline. Affected: yes. Not counted in ClinVar's aggregate classification.

NM_000138.5(FBN1):c.8015G>C (p.Cys2672Ser)

Gene: FBN1 (fibrillin 1; minus strand). Cytogenetic location: 15q21.1.
Variant type: single nucleotide variant.
Coding change: c.8015G>C on transcript NM_000138.5 (MANE Select); coding-DNA position 8015, G replaced by C.
Protein change: p.Cys2672Ser; replaces cysteine 2672 with serine.
Molecular consequence: missense variant.
Genome position (GRCh38, 1-based): chr15:48,415,572, C>G on the plus strand (G>C on the coding strand, the complement: FBN1 is on the minus strand). VCF-style: chr15-48415572-C-G. GRCh37 (hg19) VCF-style: chr15-48707769-C-G.
Other names: short protein forms C2672S.
Identifiers: ClinVar variation 549450 (VCV000549450.2), dbSNP rs1555393831, ClinGen allele CA392322644.